The following is an entry in ClinVar:

NM_000240.4(MAOA):c.290T>C (p.Leu97Pro)

Gene: MAOA (monoamine oxidase A; plus strand). Cytogenetic location: Xp11.3.
Variant type: single nucleotide variant.
Coding change: c.290T>C on transcript NM_000240.4 (MANE Select); coding-DNA position 290, T replaced by C.
Protein change: p.Leu97Pro; replaces leucine 97 with proline.
Molecular consequence: missense variant. On other transcripts: 5 prime UTR variant (1).
Genome position (GRCh38, 1-based): chrX:43,693,412, T>C. VCF-style: chrX-43693412-T-C. GRCh37 (hg19) VCF-style: chrX-43552659-T-C.
Other names: c.-110T>C (NM_001270458.2); short protein forms L97P.
Identifiers: ClinVar variation 1418704 (VCV001418704.8), dbSNP rs2147085459, ClinGen allele CA413004727.
Genomic context (GRCh38, chrX:43,693,412, plus strand): 5'-TCTTACGCTTGTCTAAGGAGCTGGGCATAGAGACTTACAAAGTGAATGTCAGTGAGCGTC[T>C]CGTTCAATATGTCAAGGTAAGGCTGACTTTTCACCCAAGTGACTGATAGGGAAGCATTTT-3'
Protein context (NP_000231.1, residues 87-107): ETYKVNVSER[Leu97Pro]VQYVKGKTYP

ClinVar aggregate classification (germline): Uncertain significance (1 of 4 stars; one submission).

Conditions:
Brunner syndrome (BRNRS). Identifiers: Orphanet 3057, MedGen C0796275, MONDO:0010379, OMIM 300615.

Submission:

Labcorp Genetics (formerly Invitae), Labcorp
Classification: Uncertain significance for Brunner syndrome. Last evaluated: 2021-04-02. Review status: criteria provided, single submitter. Criteria: Invitae Variant Classification Sherloc (09022015). Collection method: clinical testing. Allele origin: germline.
Comment: This variant has not been reported in the literature in individuals with MAOA-related conditions. This variant is not present in population databases (ExAC no frequency). This sequence change replaces leucine with proline at codon 97 of the MAOA protein (p.Leu97Pro). The leucine residue is moderately conserved and there is a moderate physicochemical difference between leucine and proline. Algorithms developed to predict the effect of missense changes on protein structure and function are either unavailable or do not agree on the potential impact of this missense change (SIFT: "Tolerated"; PolyPhen-2: "Probably Damaging"; Align-GVGD: "Class C0"). In summary, the available evidence is currently insufficient to determine the role of this variant in disease. Therefore, it has been classified as a Variant of Uncertain Significance.